The following is an entry in ClinVar:

NM_001918.5(DBT):c.*7698C>T

Gene: DBT (dihydrolipoamide branched chain transacylase E2; minus strand). Cytogenetic location: 1p21.2.
Variant type: single nucleotide variant.
Coding change: c.*7698C>T on transcript NM_001918.5 (MANE Select); 7698 bases downstream of the stop codon, C replaced by T.
Molecular consequence: 3 prime UTR variant.
Genome position (GRCh38, 1-based): chr1:100,188,557, G>A on the plus strand (C>T on the coding strand, the complement: DBT is on the minus strand). VCF-style: chr1-100188557-G-A. GRCh37 (hg19) VCF-style: chr1-100654113-G-A.
Identifiers: ClinVar variation 874285 (VCV000874285.4), dbSNP rs185528579, ClinGen allele CA27596316.

ClinVar aggregate classification (germline): Likely benign (1 of 4 stars; one submission).

Conditions:
Maple syrup urine disease (MSUD). Identifiers: Orphanet 511, MedGen C0024776, MeSH D008375, MONDO:0009563. Disease mechanism: loss of function.

Allele frequency attached by ClinVar (database versions not stated): gnomAD 0.00024 and 0.00041; TOPMed 0.00046; 1000 Genomes Project 0.00200; 1000 Genomes Project 30x 0.00203.

Submission:

Illumina Laboratory Services, Illumina
Classification: Likely benign for Maple syrup urine disease type 1A. Last evaluated: 2018-01-12. Review status: criteria provided, single submitter. Criteria: ICSL Variant Classification Criteria 13 December 2019. Collection method: clinical testing. Allele origin: germline.
Comment: This variant was observed in the ICSL laboratory as part of a predisposition screen in an ostensibly healthy population. It had not been previously curated by ICSL or reported in the Human Gene Mutation Database (HGMD: prior to June 1st, 2018), and was therefore a candidate for classification through an automated scoring system. Utilizing variant allele frequency, disease prevalence and penetrance estimates, and inheritance mode, an automated score was calculated to assess if this variant is too frequent to cause the disease. Based on the score and internal cut-off values, a variant classified as likely benign is not then subjected to further curation. The score for this variant resulted in a classification of likely benign for this disease.